The following is an entry in ClinVar:

ClinVar aggregate classification (germline): Uncertain significance (1 of 4 stars; one submission).

Conditions:
Congenital myasthenic syndrome 8. Also called: MYASTHENIC SYNDROME, CONGENITAL, DUE TO AGRIN DEFICIENCY; Myasthenic syndrome, congenital, 8, with pre- and postsynaptic defects. Identifiers: Orphanet 590, MedGen C3808739, MONDO:0014052, OMIM 615120.

Allele frequency attached by ClinVar (database versions not stated): TOPMed below 0.00001; gnomAD exomes below 0.00001; gnomAD 0.00001.
gnomAD v4.1: 6 of 1,549,266 alleles (0.00039%); highest among the groups gnomAD compares: African/African-American, 0.0041%; no homozygotes.

Submission:

Labcorp Genetics (formerly Invitae), Labcorp
Classification: Uncertain significance for Congenital myasthenic syndrome 8. Last evaluated: 2022-05-17. Review status: criteria provided, single submitter. Criteria: Invitae Variant Classification Sherloc (09022015). Collection method: clinical testing. Allele origin: germline.
Comment: In summary, the available evidence is currently insufficient to determine the role of this variant in disease. Therefore, it has been classified as a Variant of Uncertain Significance. Algorithms developed to predict the effect of missense changes on protein structure and function are either unavailable or do not agree on the potential impact of this missense change (SIFT: "Deleterious"; PolyPhen-2: "Probably Damaging"; Align-GVGD: "Class C0"). This variant has not been reported in the literature in individuals affected with AGRN-related conditions. The frequency data for this variant in the population databases is considered unreliable, as metrics indicate poor data quality at this position in the gnomAD database. This sequence change replaces valine, which is neutral and non-polar, with methionine, which is neutral and non-polar, at codon 2020 of the AGRN protein (p.Val2020Met).

NM_198576.4(AGRN):c.6058G>A (p.Val2020Met)

Gene: AGRN (agrin; plus strand). Cytogenetic location: 1p36.33.
Variant type: single nucleotide variant.
Coding change: c.6058G>A on transcript NM_198576.4 (MANE Select); coding-DNA position 6058, G replaced by A.
Protein change: p.Val2020Met; replaces valine 2020 with methionine.
Molecular consequence: missense variant.
Genome position (GRCh38, 1-based): chr1:1,054,901, G>A. VCF-style: chr1-1054901-G-A. GRCh37 (hg19) VCF-style: chr1-990281-G-A.
Other names: c.6127G>A, p.Val2043Met (NM_001305275.2); c.5755G>A, p.Val1919Met (NM_001364727.2); short protein forms V2020M, V2043M, V1919M.
Identifiers: ClinVar variation 2056480 (VCV002056480.4), dbSNP rs1225819020, ClinGen allele CA337786832.